The following is an entry in ClinVar:

NM_000059.4(BRCA2):c.4544dup (p.Ile1516fs)

Gene: BRCA2 (BRCA2 DNA repair associated; plus strand). Cytogenetic location: 13q13.1.
Variant type: Duplication.
Coding change: c.4544dup on transcript NM_000059.4 (MANE Select); coding-DNA position 4544, one base duplicated (A; older notation c.4544dupA).
Protein change: p.Ile1516fs; shifts the reading frame from isoleucine 1516.
Molecular consequence: frameshift variant.
Genome position (GRCh38, 1-based): chr13:32,338,899, A duplicated; the last of 4 consecutive A bases (chr13:32,338,896-32,338,899); duplicating any one gives the same sequence. VCF-style (leftmost placement, unchanged base first): chr13-32338895-G-GA. GRCh37 (hg19) VCF-style: chr13-32913032-G-GA.
Other names: c.4544dupA (NM_000059.3); short protein forms I1516fs.
Identifiers: ClinVar variation 438981 (VCV000438981.26), dbSNP rs397507725, ClinGen allele CA609453786.

ClinVar aggregate classification (germline): Pathogenic. Review status: reviewed by expert panel (3 of 4 stars). 10 submissions from 10 submitters: Pathogenic (1). 9 of the submissions do not count toward it. Last evaluated 2017-12-15.

Conditions:
Hereditary cancer-predisposing syndrome. Also called: Hereditary Cancer Syndrome; Hereditary neoplastic syndrome; Tumor predisposition; Neoplastic Syndromes, Hereditary. Identifiers: Orphanet 140162, MedGen C0027672, MeSH D009386, MONDO:0015356.
Breast-ovarian cancer, familial, susceptibility to, 2 (BROVCA2). Also called: BRCA2 Hereditary Breast and Ovarian Cancer. Identifiers: Orphanet 145, MedGen C2675520, MONDO:0012933, OMIM 612555. Disease mechanism: loss of function.
Familial cancer of breast. Also called: hereditary breast carcinoma; BREAST CANCER, FAMILIAL; Hereditary breast cancer. Identifiers: Orphanet 227535, MedGen C0346153, MONDO:0016419, OMIM 114480. Disease mechanism: loss of function.
Inherited ovarian cancer (without breast cancer).
Hereditary breast ovarian cancer syndrome. Also called: Hereditary breast and ovarian cancer syndrome; BRCA1- and BRCA2-Associated Hereditary Breast and Ovarian Cancer; Hereditary breast and ovarian cancer syndrome (HBOC); Hereditary breast and/or ovarian cancer syndrome; Hereditary breast and ovarian cancer; Breast and ovarian cancer. Identifiers: Orphanet 145, MedGen C0677776, MeSH D061325, MONDO:0003582. Disease mechanism: loss of function.

Submissions (10):

Evidence-based Network for the Interpretation of Germline Mutant Alleles (ENIGMA)
Classification: Pathogenic for Breast-ovarian cancer, familial, susceptibility to, 2. Last evaluated: 2017-12-15. Review status: reviewed by expert panel. Criteria: ENIGMA BRCA1/2 Classification Criteria (2017-06-29). Collection method: curation. Allele origin: germline. Study: ENIGMA.
Comment: Variant allele predicted to encode a truncated non-functional protein.

Labcorp Genetics (formerly Invitae), Labcorp
Classification: Pathogenic for Hereditary breast ovarian cancer syndrome. Last evaluated: 2025-11-05. Review status: criteria provided, single submitter. Criteria: Invitae Variant Classification Sherloc (09022015). Collection method: clinical testing. Allele origin: germline. Not counted in ClinVar's aggregate classification.
Comment: This sequence change creates a premature translational stop signal (p.Ile1516Aspfs*13) in the BRCA2 gene. It is expected to result in an absent or disrupted protein product. Loss-of-function variants in BRCA2 are known to be pathogenic (PMID: 20104584). This variant is present in population databases (no rsID available, gnomAD 0.003%). This premature translational stop signal has been observed in individual(s) with prostate cancer (PMID: 27433846). ClinVar contains an entry for this variant (Variation ID: 438981). For these reasons, this variant has been classified as Pathogenic.

Genetics Laboratory, Great Ormond Street Hospital NHS Foundation Trust, North Thames Genomic Laboratory Hub
Classification: Pathogenic for Inherited ovarian cancer (without breast cancer). Last evaluated: 2025-10-22. Review status: criteria provided, single submitter. Criteria: CanVIG BRCA Gene Specific V1.22. Collection method: clinical testing. Allele origin: germline. Affected: yes. Not counted in ClinVar's aggregate classification.
Comment: PS4_supporting, PM2_moderate, PVS1_very-strong, PM5_strong

Ambry Genetics
Classification: Pathogenic for Hereditary cancer-predisposing syndrome. Last evaluated: 2024-09-03. Review status: criteria provided, single submitter. Criteria: Ambry Variant Classification Scheme 2023. Collection method: clinical testing. Allele origin: germline. Not counted in ClinVar's aggregate classification.
Comment: The c.4544dupA pathogenic mutation, located in coding exon 10 of the BRCA2 gene, results from a duplication of A at nucleotide position 4544, causing a translational frameshift with a predicted alternate stop codon (p.I1516Dfs*13). This mutation, designated c.4544_4545insA, was detected in 1/206 unrelated breast and/or ovarian cancer cases from North India who met NCCN guidelines for genetic testing (Mehta A et al. Cancer Manag Res, 2018 Nov;10:6505-6516). This mutation was also identified in 1/692 men with metastatic prostate cancer who were unselected for family history of cancer or age at diagnosis (Pritchard CC et al. N Engl J Med, 2016 Aug;375:443-53). In addition to the clinical data presented in the literature, this alteration is expected to result in loss of function by premature protein truncation or nonsense-mediated mRNA decay. As such, this alteration is interpreted as a disease-causing mutation.

Molecular Pathology, Peter Maccallum Cancer Centre
Classification: Pathogenic for Breast-ovarian cancer, familial, susceptibility to, 2. Last evaluated: 2024-08-12. Review status: criteria provided, single submitter. Criteria: ACMG Guidelines, 2015. Collection method: clinical testing. Allele origin: germline. Inheritance: Autosomal dominant inheritance. Not counted in ClinVar's aggregate classification.

GeneDx
Classification: Pathogenic. Last evaluated: 2024-03-27. Review status: criteria provided, single submitter. Criteria: GeneDx Variant Classification Process June 2021. Collection method: clinical testing. Allele origin: germline. Affected: yes. Not counted in ClinVar's aggregate classification.
Comment: Frameshift variant predicted to result in protein truncation or nonsense mediated decay in a gene for which loss of function is a known mechanism of disease; Not observed at significant frequency in large population cohorts (gnomAD); Truncating variants in this gene are considered pathogenic by a well-established clinical consortium and/or database; Also known as 4772dup; This variant is associated with the following publications: (PMID: 20104584, 30555256, 11556836, 27433846, 29922827)

Baylor Genetics
Classification: Pathogenic for Familial cancer of breast. Last evaluated: 2023-12-22. Review status: criteria provided, single submitter. Criteria: ACMG Guidelines, 2015. Collection method: clinical testing. Allele origin: unknown. Not counted in ClinVar's aggregate classification.

Neuberg Centre For Genomic Medicine, NCGM
Classification: Pathogenic for Breast-ovarian cancer, familial, susceptibility to, 2. Last evaluated: 2023-05-20. Review status: criteria provided, single submitter. Criteria: ACMG Guidelines, 2015. Collection method: clinical testing. Allele origin: germline. Inheritance: Autosomal dominant inheritance. Affected: yes. Not counted in ClinVar's aggregate classification.
Comment: The observed frameshift c.4544dup(p.Ile1516AspfsTer13) variant in BRCA2 gene has been reported previously in heterozygous state in individual(s) affected with breast or ovarian cancer (Mehta et al., 2018). This variant is reported with the allele frequency of 0.0004% in the gnomAD Exomes. This variant has been reported to the ClinVar database as Likely Pathogenic / Pathogenic (multiple submitters). This variant causes a frameshift starting with codon Isoleucine 1516, changes this amino acid to Aspartic Acid residue, and creates a premature Stop codon at position 13 of the new reading frame, denoted p.Ile1516AspfsTer13. This variant is predicted to cause loss of normal protein function through protein truncation. It is expected to result in an absent or disrupted protein product. Loss-of-function variants in BRCA2 are known to be pathogenic (Borg et al., 2010). For these reasons, this variant has been classified as Pathogenic.

Color Diagnostics, LLC DBA Color Health
Classification: Pathogenic for Hereditary cancer-predisposing syndrome. Last evaluated: 2021-11-15. Review status: criteria provided, single submitter. Criteria: ACMG Guidelines, 2015. Collection method: clinical testing. Allele origin: germline. Not counted in ClinVar's aggregate classification.
Comment: This variant inserts 1 nucleotide in exon 11 of the BRCA2 gene, creating a frameshift and premature translation stop signal. This variant is expected to result in an absent or non-functional protein product. This variant has been detected in individuals affected with breast, ovarian or prostate cancer (PMID: 27433846; Color internal data). This variant has been identified in 1/250382 chromosomes in the general population by the Genome Aggregation Database (gnomAD). Loss of BRCA2 function is a known mechanism of disease. Based on the available evidence, this variant is classified as Pathogenic.

Quest Diagnostics Nichols Institute San Juan Capistrano
Classification: Likely pathogenic. Last evaluated: 2017-06-02. Review status: criteria provided, single submitter. Criteria: Quest Diagnostics criteria. Collection method: clinical testing. Allele origin: germline. Not counted in ClinVar's aggregate classification.

Literature cited by the submitters: PubMed 20104584 (cited by Labcorp Genetics (formerly Invitae), Labcorp); PubMed 27433846 (cited by 4 submitters); PubMed 30555256 (cited by Ambry Genetics).